The following is an entry in ClinVar:

ClinVar aggregate classification (germline): Uncertain significance. Review status: criteria provided, multiple submitters, no conflicts (2 of 4 stars). 2 submissions from 2 submitters: Uncertain significance (2). Last evaluated 2024-12-17.

Allele frequency attached by ClinVar (database versions not stated): gnomAD 0.00001; TOPMed 0.00001; gnomAD exomes 0.00002; ExAC 0.00005.
gnomAD v4.1: 12 of 1,551,636 alleles (0.00077%); highest among the groups gnomAD compares: East Asian, 0.0049%; no homozygotes.

Submissions (2):

Labcorp Genetics (formerly Invitae), Labcorp
Classification: Uncertain significance. Last evaluated: 2024-12-17. Review status: criteria provided, single submitter. Criteria: Invitae Variant Classification Sherloc (09022015). Collection method: clinical testing. Allele origin: germline.
Comment: This sequence change replaces tyrosine, which is neutral and polar, with histidine, which is basic and polar, at codon 1721 of the MYO7A protein (p.Tyr1721His). This variant is present in population databases (rs750416011, gnomAD 0.04%). This variant has not been reported in the literature in individuals affected with MYO7A-related conditions. ClinVar contains an entry for this variant (Variation ID: 2177355). Invitae Evidence Modeling of protein sequence and biophysical properties (such as structural, functional, and spatial information, amino acid conservation, physicochemical variation, residue mobility, and thermodynamic stability) indicates that this missense variant is not expected to disrupt MYO7A protein function with a negative predictive value of 95%. In summary, the available evidence is currently insufficient to determine the role of this variant in disease. Therefore, it has been classified as a Variant of Uncertain Significance.

Blueprint Genetics
Classification: Uncertain significance. Last evaluated: 2024-10-24. Review status: criteria provided, single submitter. Criteria: ACMG Guidelines, 2015. Collection method: clinical testing. Allele origin: germline.

NM_000260.4(MYO7A):c.5161T>C (p.Tyr1721His)

Gene: MYO7A (myosin VIIA; plus strand). Cytogenetic location: 11q13.5.
Variant type: single nucleotide variant.
Coding change: c.5161T>C on transcript NM_000260.4 (MANE Select); coding-DNA position 5161, T replaced by C.
Protein change: p.Tyr1721His; replaces tyrosine 1721 with histidine.
Molecular consequence: missense variant.
Genome position (GRCh38, 1-based): chr11:77,202,417, T>C. VCF-style: chr11-77202417-T-C. GRCh37 (hg19) VCF-style: chr11-76913462-T-C.
Other names: c.5047T>C, p.Tyr1683His (NM_001127180.2); c.5014T>C, p.Tyr1672His (NM_001369365.1); short protein forms Y1672H, Y1683H, Y1721H.
Identifiers: ClinVar variation 2177355 (VCV002177355.3), dbSNP rs750416011, ClinGen allele CA6198633.